The following is an entry in ClinVar:

NM_000310.4(PPT1):c.536+10G>A

Gene: PPT1 (palmitoyl-protein thioesterase 1; minus strand). Cytogenetic location: 1p34.2.
Variant type: single nucleotide variant.
Coding change: c.536+10G>A on transcript NM_000310.4 (MANE Select); 10 bases into the intron after coding-DNA position 536, G replaced by A.
Molecular consequence: intron variant.
Genome position (GRCh38, 1-based): chr1:40,089,400, C>T on the plus strand (G>A on the coding strand, the complement: PPT1 is on the minus strand). VCF-style: chr1-40089400-C-T. GRCh37 (hg19) VCF-style: chr1-40555072-C-T.
Other names: c.227+10G>A (NM_001142604.2); c.536+10G>A (NM_001363695.2).
Identifiers: ClinVar variation 511421 (VCV000511421.8), dbSNP rs1293510783, ClinGen allele CA522420325.

ClinVar aggregate classification (germline): Likely benign. Review status: criteria provided, multiple submitters, no conflicts (2 of 4 stars). 2 submissions from 2 submitters: Likely benign (2). Last evaluated 2023-05-19.

Conditions:
Neuronal ceroid lipofuscinosis 1 (CLN1). Also called: PPT1-Related Neuronal Ceroid-Lipofuscinosis; CEROID LIPOFUSCINOSIS, NEURONAL, 1, VARIABLE AGE AT ONSET. Identifiers: Orphanet 228329, MedGen C1850451, MONDO:0009744, OMIM 256730.

Allele frequency attached by ClinVar (database versions not stated): gnomAD exomes below 0.00001.
gnomAD v4.1: 2 of 1,607,480 alleles (0.00012%); highest among the groups gnomAD compares: Non-Finnish European, 0.00017%; no homozygotes.

Submissions (2):

Labcorp Genetics (formerly Invitae), Labcorp
Classification: Likely benign for Neuronal ceroid lipofuscinosis 1. Last evaluated: 2023-05-19. Review status: criteria provided, single submitter. Criteria: Invitae Variant Classification Sherloc (09022015). Collection method: clinical testing. Allele origin: germline.

GeneDx
Classification: Likely benign. Last evaluated: 2017-08-16. Review status: criteria provided, single submitter. Criteria: GeneDx Variant Classification (06012015). Collection method: clinical testing. Allele origin: germline. Affected: yes.
Comment: This variant is considered likely benign or benign based on one or more of the following criteria: it is a conservative change, it occurs at a poorly conserved position in the protein, it is predicted to be benign by multiple in silico algorithms, and/or has population frequency not consistent with disease.